The following is an entry in ClinVar:

ClinVar aggregate classification (germline): Likely pathogenic (1 of 4 stars; one submission).

Submission:

Labcorp Genetics (formerly Invitae), Labcorp
Classification: Likely pathogenic. Last evaluated: 2025-09-03. Review status: criteria provided, single submitter. Criteria: Invitae Variant Classification Sherloc (09022015). Collection method: clinical testing. Allele origin: germline.
Comment: This sequence change replaces glutamic acid, which is acidic and polar, with valine, which is neutral and non-polar, at codon 168 of the KRT5 protein (p.Glu168Val). This variant is not present in population databases (gnomAD no frequency). This missense change has been observed in individual(s) with epidermolysis bullosa simplex (internal data). ClinVar contains an entry for this variant (Variation ID: 2002492). Invitae Evidence Modeling of protein sequence and biophysical properties (such as structural, functional, and spatial information, amino acid conservation, physicochemical variation, residue mobility, and thermodynamic stability) indicates that this missense variant is expected to disrupt KRT5 protein function with a positive predictive value of 80%. This variant disrupts the p.Glu168 amino acid residue in KRT5. Other variant(s) that disrupt this residue have been observed in individuals with KRT5-related conditions (PMID: 16786515, 21844930, 23450297, 27882080), which suggests that this may be a clinically significant amino acid residue. In summary, the currently available evidence indicates that the variant is pathogenic, but additional data are needed to prove that conclusively. Therefore, this variant has been classified as Likely Pathogenic.

Literature cited by the submitters: PubMed 16786515; PubMed 21844930; PubMed 23450297; PubMed 27882080.

NM_000424.4(KRT5):c.503A>T (p.Glu168Val)

Gene: KRT5 (keratin 5; minus strand). Cytogenetic location: 12q13.13.
Variant type: single nucleotide variant.
Coding change: c.503A>T on transcript NM_000424.4 (MANE Select); coding-DNA position 503, A replaced by T.
Protein change: p.Glu168Val; replaces glutamic acid 168 with valine.
Molecular consequence: missense variant.
Genome position (GRCh38, 1-based): chr12:52,519,794, T>A on the plus strand (A>T on the coding strand, the complement: KRT5 is on the minus strand). VCF-style: chr12-52519794-T-A. GRCh37 (hg19) VCF-style: chr12-52913578-T-A.
Other names: short protein forms E168V.
Identifiers: ClinVar variation 2002492 (VCV002002492.4), dbSNP rs2498409261, ClinGen allele CA384928938.